The following is an entry in ClinVar:

NM_000059.4(BRCA2):c.8755-2A>C

Gene: BRCA2 (BRCA2 DNA repair associated; plus strand). Cytogenetic location: 13q13.1.
Variant type: single nucleotide variant.
Coding change: c.8755-2A>C on transcript NM_000059.4 (MANE Select); the canonical splice acceptor site of the intron before coding-DNA position 8755, A replaced by C.
Molecular consequence: splice acceptor variant.
Genome position (GRCh38, 1-based): chr13:32,379,315, A>C. VCF-style: chr13-32379315-A-C. GRCh37 (hg19) VCF-style: chr13-32953452-A-C.
Other names: c.8755-2A>C (NM_001406720.1); c.8659-2A>C (NM_001406719.1); c.3823-2A>C (NM_001406721.1); c.2338-2A>C (NM_001406722.1).
Identifiers: ClinVar variation 567841 (VCV000567841.8), dbSNP rs1566252482, ClinGen allele CA387755673.

ClinVar aggregate classification (germline): Likely pathogenic. Review status: criteria provided, multiple submitters, no conflicts (2 of 4 stars). 2 submissions from 2 submitters: Likely pathogenic (2). Last evaluated 2023-03-24.

Conditions:
Hereditary breast ovarian cancer syndrome. Also called: Hereditary breast and/or ovarian cancer syndrome; Hereditary breast and ovarian cancer syndrome; Hereditary breast and ovarian cancer; Hereditary breast and ovarian cancer syndrome (HBOC); Breast and ovarian cancer; BRCA1- and BRCA2-Associated Hereditary Breast and Ovarian Cancer. Identifiers: Orphanet 145, MedGen C0677776, MeSH D061325, MONDO:0003582. Disease mechanism: loss of function.
Breast-ovarian cancer, familial, susceptibility to, 2 (BROVCA2). Also called: BRCA2 Hereditary Breast and Ovarian Cancer. Identifiers: Orphanet 145, MedGen C2675520, MONDO:0012933, OMIM 612555. Disease mechanism: loss of function.

Submissions (2):

Myriad Genetics, Inc.
Classification: Likely pathogenic for Breast-ovarian cancer, familial, susceptibility to, 2. Last evaluated: 2023-03-24. Review status: criteria provided, single submitter. Criteria: Myriad Autosomal Dominant, Autosomal Recessive and X-Linked Classification Criteria (2023). Collection method: clinical testing. Allele origin: unknown.
Comment: This variant is considered likely pathogenic. This variant occurs within a consensus splice junction and is predicted to result in abnormal mRNA splicing of either an out-of-frame exon or an in-frame exon necessary for protein stability and/or normal function.

Labcorp Genetics (formerly Invitae), Labcorp
Classification: Likely pathogenic for Hereditary breast ovarian cancer syndrome. Last evaluated: 2018-05-02. Review status: criteria provided, single submitter. Criteria: Invitae Variant Classification Sherloc (09022015). Collection method: clinical testing. Allele origin: germline.
Comment: This variant is not present in population databases (ExAC no frequency). This sequence change affects an acceptor splice site in intron 21 of the BRCA2 gene. It is expected to disrupt RNA splicing and likely results in an absent or disrupted protein product. This variant has not been reported in the literature in individuals with BRCA2-related disease. In summary, the currently available evidence indicates that the variant is pathogenic, but additional data are needed to prove that conclusively. Therefore, this variant has been classified as Likely Pathogenic. Donor and acceptor splice site variants typically lead to a loss of protein function (PMID: 16199547), and loss-of-function variants in BRCA2 are known to be pathogenic (PMID: 20104584).

Literature cited by the submitters: PubMed 16199547 (cited by Labcorp Genetics (formerly Invitae), Labcorp); PubMed 20104584 (cited by Labcorp Genetics (formerly Invitae), Labcorp).